The following is an entry in ClinVar:

NM_172351.3(CD46):c.389G>T (p.Gly130Val)

Gene: CD46 (CD46 molecule; plus strand). Cytogenetic location: 1q32.2.
Variant type: single nucleotide variant.
Coding change: c.389G>T on transcript NM_172351.3 (MANE Select); coding-DNA position 389, G replaced by T.
Protein change: p.Gly130Val; replaces glycine 130 with valine.
Molecular consequence: missense variant.
Genome position (GRCh38, 1-based): chr1:207,757,642, G>T. VCF-style: chr1-207757642-G-T. GRCh37 (hg19) VCF-style: chr1-207930987-G-T.
Other names: c.389G>T, p.Gly130Val (NM_002389.4, NM_153826.4, NM_172350.3 and 8 more transcripts); short protein forms G130V.
Identifiers: ClinVar variation 3720273 (VCV003720273.3).
Genomic context (GRCh38, chr1:207,757,642, plus strand): 5'-CAGTCCCTGCAAATGGGACTTACGAGTTTGGTTATCAGATGCACTTTATTTGTAATGAGG[G>T]GTAAGTTGCTCCTTAGAGGAAATAAGGGAAGTGTTAGTAATTTTATTTTTGTTTTGCTTC-3'
Protein context (NP_758861.1, residues 120-140): GYQMHFICNE[Gly130Val]YYLIGEEILY

ClinVar aggregate classification (germline): Uncertain significance. Review status: criteria provided, multiple submitters, no conflicts (2 of 4 stars). 2 submissions from 2 submitters: Uncertain significance (2). Last evaluated 2025-10-02.

Conditions:
Atypical hemolytic-uremic syndrome. Identifiers: Orphanet 2134, MedGen C2931788, MONDO:0016244.

gnomAD v4.1: 3 of 1,578,358 alleles (0.00019%); highest among the groups gnomAD compares: South Asian, 0.0011%; no homozygotes.

Submissions (2):

Genomenon, Inc
Classification: Uncertain significance for Atypical hemolytic-uremic syndrome. Last evaluated: 2025-10-02. Review status: criteria provided, single submitter. Criteria: Genomenon Sequence Variant Interpretation Standards. Collection method: curation. Allele origin: germline. Affected: yes.
Comment: CD46 p.Gly130Val (c.389G>T) is a missense variant that changes the amino acid at residue 130 from Glycine to Valine. This variant has been observed in at least one proband affected with atypical hemolytic-uremic syndrome (PMID:23431077). It is absent or not present at a significant frequency in gnomAD. In silico models agree that this variant is possibly or probably damaging. In conclusion, we classify CD46 p.Gly130Val (c.389G>T) as a variant of uncertain significance.

Labcorp Genetics (formerly Invitae), Labcorp
Classification: Uncertain significance. Last evaluated: 2024-11-25. Review status: criteria provided, single submitter. Criteria: Invitae Variant Classification Sherloc (09022015). Collection method: clinical testing. Allele origin: germline.
Comment: This sequence change replaces glycine, which is neutral and non-polar, with valine, which is neutral and non-polar, at codon 130 of the CD46 protein (p.Gly130Val). This variant also falls at the last nucleotide of exon 3, which is part of the consensus splice site for this exon. This variant is present in population databases (rs748690076, gnomAD 0.003%). This missense change has been observed in individual(s) with CD46-related conditions (PMID: 23431077). An algorithm developed to predict the effect of missense changes on protein structure and function (PolyPhen-2) suggests that this variant is likely to be disruptive. Variants that disrupt the consensus splice site are a relatively common cause of aberrant splicing (PMID: 17576681, 9536098). Algorithms developed to predict the effect of sequence changes on RNA splicing suggest that this variant may disrupt the consensus splice site. In summary, the available evidence is currently insufficient to determine the role of this variant in disease. Therefore, it has been classified as a Variant of Uncertain Significance.

Literature cited by the submitters: PubMed 23431077 (cited by Genomenon, Inc and Labcorp Genetics (formerly Invitae), Labcorp); PubMed 17576681 (cited by Labcorp Genetics (formerly Invitae), Labcorp); PubMed 9536098 (cited by Labcorp Genetics (formerly Invitae), Labcorp).